The following is an entry in ClinVar:

NM_170665.4(ATP2A2):c.1466G>A (p.Arg489His)

Gene: ATP2A2 (ATPase sarcoplasmic/endoplasmic reticulum Ca2+ transporting 2; plus strand). Cytogenetic location: 12q24.11.
Variant type: single nucleotide variant.
Coding change: c.1466G>A on transcript NM_170665.4 (MANE Select); coding-DNA position 1466, G replaced by A.
Protein change: p.Arg489His; replaces arginine 489 with histidine.
Molecular consequence: missense variant.
Genome position (GRCh38, 1-based): chr12:110,339,327, G>A. VCF-style: chr12-110339327-G-A. GRCh37 (hg19) VCF-style: chr12-110777132-G-A.
Other names: c.1361G>A, p.Arg454His (NM_001413013.1); c.1466G>A, p.Arg489His (NM_001413014.1, NM_001681.4); c.1091G>A, p.Arg364His (NM_001413015.1); short protein forms R454H, R489H, R364H.
Identifiers: ClinVar variation 3571847 (VCV003571847.1).
Genomic context (GRCh38, chr12:110,339,327, plus strand): 5'-TGTTCCCTTTGTAGGTCATTAAACAGCTGATGAAAAAGGAATTCACTCTAGAGTTTTCAC[G>A]TGACAGAAAGTCAATGTCGGTTTACTGTACACCAAATAAACCAAGCAGGACATCAATGAG-3'
Protein context (NP_733765.1, residues 479-499): MKKEFTLEFS[Arg489His]DRKSMSVYCT

ClinVar aggregate classification (germline): Uncertain significance (1 of 4 stars; one submission).

gnomAD v4.1: 1 of 1,613,950 alleles (0.000062%); highest among the groups gnomAD compares: South Asian, 0.0011%; no homozygotes.

Submission:

Athena Diagnostics
Classification: Uncertain significance. Last evaluated: 2024-09-17. Review status: criteria provided, single submitter. Criteria: Athena Diagnostics Criteria. Collection method: clinical testing. Allele origin: unknown.
Comment: Available data are insufficient to determine the clinical significance of the variant at this time. The frequency of this variant in the general population is uninformative in assessment of its pathogenicity. Polyphen and MutationTaster predict this amino acid change may be damaging to the protein.